The following is an entry in ClinVar:

ClinVar aggregate classification (germline): Benign. Review status: criteria provided, single submitter (1 of 4 stars). 2 submissions from 2 submitters: Benign (1). 1 of the submissions does not count toward it. Last evaluated 2025-09-14.

Conditions:
TBC1D8B-related disorder. Also called: TBC1D8B-related condition.

Allele frequency attached by ClinVar (database versions not stated): gnomAD exomes 0.00002; TOPMed 0.00003; ExAC 0.00005.
gnomAD v4.1: 23 of 1,178,443 alleles (0.002%); highest among the groups gnomAD compares: East Asian, 0.066%; no homozygotes.

Submissions (2):

Labcorp Genetics (formerly Invitae), Labcorp
Classification: Benign. Last evaluated: 2025-09-14. Review status: criteria provided, single submitter. Criteria: Invitae Variant Classification Sherloc (09022015). Collection method: clinical testing. Allele origin: germline.

PreventionGenetics, part of Exact Sciences
Classification: Likely benign for TBC1D8B-related condition. Last evaluated: 2022-04-11. Review status: no assertion criteria provided. Collection method: clinical testing. Allele origin: germline. Not counted in ClinVar's aggregate classification.
Comment: This variant is classified as likely benign based on ACMG/AMP sequence variant interpretation guidelines (Richards et al. 2015 PMID: 25741868, with internal and published modifications).

NM_017752.3(TBC1D8B):c.1827T>C (p.Arg609=)

Gene: TBC1D8B (TBC1 domain family member 8B; plus strand). Cytogenetic location: Xq22.3.
Variant type: single nucleotide variant.
Coding change: c.1827T>C on transcript NM_017752.3 (MANE Select); coding-DNA position 1827, T replaced by C.
Protein change: p.Arg609=; no amino-acid change (arginine 609 retained).
Molecular consequence: synonymous variant.
Genome position (GRCh38, 1-based): chrX:106,848,293, T>C. VCF-style: chrX-106848293-T-C. GRCh37 (hg19) VCF-style: chrX-106091523-T-C.
Other names: c.1827T>C (NM_017752.2); c.1827T>C, p.Arg609= (NM_198881.2).
Identifiers: ClinVar variation 2054567 (VCV002054567.6), dbSNP rs758480840, ClinGen allele CA10483214.
Genomic context (GRCh38, chrX:106,848,293, plus strand): 5'-AGAAGCTTTTTGGCTTCTGGTTGCTGTATGTGAACGAATGTTGCCTGATTATTTTAATCG[T>C]CGAATTATTGGTAAAAGAAAAACCACACACACACATATGCATACACACACAGAGATGTAT-3'
Protein context (NP_060222.2, residues 599-619): CERMLPDYFN[Arg609=]RIIGALVDQA